The following is an entry in ClinVar:

ClinVar aggregate classification (germline): Uncertain significance. Review status: criteria provided, multiple submitters, no conflicts (2 of 4 stars). 2 submissions from 2 submitters: Uncertain significance (2). Last evaluated 2026-06-28.

Conditions:
Inborn genetic diseases. Identifiers: MedGen C0950123, MeSH D030342.

Allele frequency attached by ClinVar (database versions not stated): ExAC 0.00001; gnomAD 0.00001; gnomAD exomes below 0.00001; TOPMed 0.00002.
gnomAD v4.1: 2 of 1,614,100 alleles (0.00012%); highest among the groups gnomAD compares: Admixed American, 0.0017%; no homozygotes.

Submissions (2):

Ambry Genetics
Classification: Uncertain significance for Inborn genetic diseases. Last evaluated: 2026-06-28. Review status: criteria provided, single submitter. Criteria: Ambry Variant Classification Scheme 2023. Collection method: clinical testing. Allele origin: germline.

Labcorp Genetics (formerly Invitae), Labcorp
Classification: Uncertain significance. Last evaluated: 2020-01-01. Review status: criteria provided, single submitter. Criteria: Invitae Variant Classification Sherloc (09022015). Collection method: clinical testing. Allele origin: germline.
Comment: Algorithms developed to predict the effect of missense changes on protein structure and function output the following: SIFT: "Tolerated"; PolyPhen-2: "Benign"; Align-GVGD: "Class C0". The leucine amino acid residue is found in multiple mammalian species, suggesting that this missense change does not adversely affect protein function. These predictions have not been confirmed by published functional studies and their clinical significance is uncertain. This variant has not been reported in the literature in individuals with MERTK-related conditions. This variant is present in population databases (rs761738159, ExAC 0.006%). This sequence change replaces proline with leucine at codon 924 of the MERTK protein (p.Pro924Leu). The proline residue is moderately conserved and there is a moderate physicochemical difference between proline and leucine. In summary, the available evidence is currently insufficient to determine the role of this variant in disease. Therefore, it has been classified as a Variant of Uncertain Significance.

NM_006343.3(MERTK):c.2771C>T (p.Pro924Leu)

Gene: MERTK (MER proto-oncogene, tyrosine kinase; plus strand). Cytogenetic location: 2q13.
Variant type: single nucleotide variant.
Coding change: c.2771C>T on transcript NM_006343.3 (MANE Select); coding-DNA position 2771, C replaced by T.
Protein change: p.Pro924Leu; replaces proline 924 with leucine.
Molecular consequence: missense variant.
Genome position (GRCh38, 1-based): chr2:112,028,635, C>T. VCF-style: chr2-112028635-C-T. GRCh37 (hg19) VCF-style: chr2-112786212-C-T.
Other names: c.2771C>T (NM_006343.2); short protein forms P924L.
Identifiers: ClinVar variation 1062402 (VCV001062402.8), dbSNP rs761738159, ClinGen allele CA1831969.